The following is an entry in ClinVar:

ClinVar aggregate classification (germline): Uncertain significance (1 of 4 stars; one submission).

gnomAD v4.1: 19 of 1,614,042 alleles (0.0012%); highest among the groups gnomAD compares: African/African-American, 0.025%; no homozygotes.

Submission:

Labcorp Genetics (formerly Invitae), Labcorp
Classification: Uncertain significance. Last evaluated: 2024-12-30. Review status: criteria provided, single submitter. Criteria: Invitae Variant Classification Sherloc (09022015). Collection method: clinical testing. Allele origin: germline.
Comment: This sequence change replaces histidine, which is basic and polar, with leucine, which is neutral and non-polar, at codon 688 of the RFWD3 protein (p.His688Leu). This variant is present in population databases (rs746955316, gnomAD 0.02%). This variant has not been reported in the literature in individuals affected with RFWD3-related conditions. ClinVar contains an entry for this variant (Variation ID: 2072790). An algorithm developed to predict the effect of missense changes on protein structure and function (PolyPhen-2) suggests that this variant is likely to be tolerated. In summary, the available evidence is currently insufficient to determine the role of this variant in disease. Therefore, it has been classified as a Variant of Uncertain Significance.

NM_018124.4(RFWD3):c.2063A>T (p.His688Leu)

Gene: RFWD3 (ring finger and WD repeat domain 3; minus strand). Cytogenetic location: 16q23.1.
Variant type: single nucleotide variant.
Coding change: c.2063A>T on transcript NM_018124.4 (MANE Select); coding-DNA position 2063, A replaced by T.
Protein change: p.His688Leu; replaces histidine 688 with leucine.
Molecular consequence: missense variant.
Genome position (GRCh38, 1-based): chr16:74,626,461, T>A on the plus strand (A>T on the coding strand, the complement: RFWD3 is on the minus strand). VCF-style: chr16-74626461-T-A. GRCh37 (hg19) VCF-style: chr16-74660359-T-A.
Other names: c.2063A>T, p.His688Leu (NM_001370534.1, NM_001370535.1); c.1886A>T, p.His629Leu (NM_001370536.1); c.1229A>T, p.His410Leu (NM_001370537.1, NM_001370539.1, NM_001370540.1 and 3 more transcripts); short protein forms H688L, H629L, H410L.
Identifiers: ClinVar variation 2072790 (VCV002072790.4), dbSNP rs746955316, ClinGen allele CA8169001.